The following is an entry in ClinVar:

ClinVar aggregate classification (germline): Pathogenic (1 of 4 stars; one submission).

Submission:

Labcorp Genetics (formerly Invitae), Labcorp
Classification: Pathogenic. Last evaluated: 2025-04-04. Review status: criteria provided, single submitter. Criteria: Invitae Variant Classification Sherloc (09022015). Collection method: clinical testing. Allele origin: germline.
Comment: This sequence change creates a premature translational stop signal (p.Gln2390*) in the KMT2A gene. It is expected to result in an absent or disrupted protein product. Loss-of-function variants in KMT2A are known to be pathogenic (PMID: 22795537, 25810209, 29574747). This variant is not present in population databases (gnomAD no frequency). This variant has not been reported in the literature in individuals affected with KMT2A-related conditions. For these reasons, this variant has been classified as Pathogenic.

Literature cited by the submitters: PubMed 22795537; PubMed 25810209; PubMed 29574747.

NM_001197104.2(KMT2A):c.7168C>T (p.Gln2390Ter)

Gene: KMT2A (lysine methyltransferase 2A; plus strand). Cytogenetic location: 11q23.3.
Variant type: single nucleotide variant.
Coding change: c.7168C>T on transcript NM_001197104.2 (MANE Select); coding-DNA position 7168, C replaced by T.
Protein change: p.Gln2390Ter; replaces glutamine 2390 with a stop codon.
Molecular consequence: nonsense.
Genome position (GRCh38, 1-based): chr11:118,503,060, C>T. VCF-style: chr11-118503060-C-T. GRCh37 (hg19) VCF-style: chr11-118373775-C-T.
Other names: c.7258C>T, p.Gln2420Ter (NM_001412597.1); c.7159C>T, p.Gln2387Ter (NM_005933.4); short protein forms Q2420*, Q2387*, Q2390*.
Identifiers: ClinVar variation 4716744 (VCV004716744.1).